The following is an entry in ClinVar:

ClinVar aggregate classification (germline): Benign. Review status: criteria provided, multiple submitters, no conflicts (2 of 4 stars). 11 submissions from 10 submitters: Benign (9). 2 of the submissions do not count toward it. Last evaluated 2026-02-04.

Conditions:
Autosomal recessive congenital ichthyosis 4A (LI2). Also called: ICHTHYOSIS CONGENITA IIB. Identifiers: Orphanet 313, MedGen C1832550, MONDO:0011026, OMIM 601277.
Congenital ichthyosis of skin. Identifiers: MedGen C0020758.
Autosomal recessive congenital ichthyosis 4B (ARCI4B). Also called: Harlequin Fetus; ICHTHYOSIS CONGENITA, HARLEQUIN FETUS TYPE; HARLEQUIN ICHTHYOSIS; Ichthyosis, congenital, autosomal recessive 4B (harlequin). Identifiers: Orphanet 457, MedGen C0598226, MONDO:0009443, OMIM 242500.

Allele frequency attached by ClinVar (database versions not stated): TOPMed 0.99769; ESP Exome Variant Server 0.99777; gnomAD 0.99785 and 0.99801; 1000 Genomes Project 0.99840; 1000 Genomes Project 30x 0.99859; ExAC 0.99940; gnomAD exomes 0.99950 and 0.99982.
gnomAD v4.1: 1,600,198 of 1,600,786 alleles (100%); highest among the groups gnomAD compares: East Asian, 100%; 799,807 homozygotes.

Submissions (11):

Labcorp Genetics (formerly Invitae), Labcorp
Classification: Benign. Last evaluated: 2026-02-04. Review status: criteria provided, single submitter. Criteria: Invitae Variant Classification Sherloc (09022015). Collection method: clinical testing. Allele origin: germline.

Women's Health and Genetics/Laboratory Corporation of America, LabCorp
Classification: Benign. Last evaluated: 2025-09-14. Review status: criteria provided, single submitter. Criteria: LabCorp Variant Classification Summary - May 2015. Collection method: clinical testing. Allele origin: germline.

Blueprint Genetics
Classification: Benign. Last evaluated: 2024-11-26. Review status: criteria provided, single submitter. Criteria: ACMG Guidelines, 2015. Collection method: clinical testing. Allele origin: germline.

Genome-Nilou Lab
Classification: Benign for Autosomal recessive congenital ichthyosis 4A. Last evaluated: 2021-07-14. Review status: criteria provided, single submitter. Criteria: ACMG Guidelines, 2015. Collection method: clinical testing. Allele origin: germline. Affected: no.

Genome-Nilou Lab
Classification: Benign for Autosomal recessive congenital ichthyosis 4B. Last evaluated: 2021-07-14. Review status: criteria provided, single submitter. Criteria: ACMG Guidelines, 2015. Collection method: clinical testing. Allele origin: germline. Affected: no.

Illumina Laboratory Services, Illumina
Classification: Benign for Congenital ichthyosis of skin. Last evaluated: 2018-01-13. Review status: criteria provided, single submitter. Criteria: ICSL Variant Classification Criteria 13 December 2019. Collection method: clinical testing. Allele origin: germline.
Comment: This variant was observed in the ICSL laboratory as part of a predisposition screen in an ostensibly healthy population. It had not been previously curated by ICSL or reported in the Human Gene Mutation Database (HGMD: prior to June 1st, 2018), and was therefore a candidate for classification through an automated scoring system. Utilizing variant allele frequency, disease prevalence and penetrance estimates, and inheritance mode, an automated score was calculated to assess if this variant is too frequent to cause the disease. Based on the score and internal cut-off values, a variant classified as benign is not then subjected to further curation. The score for this variant resulted in a classification of benign for this disease.

GeneDx
Classification: Benign. Last evaluated: 2015-03-03. Review status: criteria provided, single submitter. Criteria: GeneDx Variant Classification Process June 2021. Collection method: clinical testing. Allele origin: germline. Affected: yes.

Breakthrough Genomics
Classification: Benign. Review status: criteria provided, single submitter. Criteria: ACMG Guidelines, 2015. Collection method: not provided. Allele origin: germline. Inheritance: Autosomal recessive inheritance. Affected: yes.

PreventionGenetics, part of Exact Sciences
Classification: Benign. Review status: criteria provided, single submitter. Criteria: ACMG Guidelines, 2015. Collection method: clinical testing. Allele origin: germline.

Diagnostic Laboratory, Department of Genetics, University Medical Center Groningen
Classification: Benign. Review status: no assertion criteria provided. Collection method: clinical testing. Allele origin: germline. Affected: yes. Study: VKGL Data-share Consensus. Not counted in ClinVar's aggregate classification.

Joint Genome Diagnostic Labs from Nijmegen and Maastricht, Radboudumc and MUMC+
Classification: Likely benign. Review status: no assertion criteria provided. Collection method: clinical testing. Allele origin: germline. Affected: yes. Study: VKGL Data-share Consensus. Not counted in ClinVar's aggregate classification.

NM_173076.3(ABCA12):c.2329T>A (p.Ser777Thr)

Gene: ABCA12 (ATP binding cassette subfamily A member 12; minus strand). Cytogenetic location: 2q35.
Variant type: single nucleotide variant.
Coding change: c.2329T>A on transcript NM_173076.3 (MANE Select); coding-DNA position 2329, T replaced by A.
Protein change: p.Ser777Thr; replaces serine 777 with threonine.
Molecular consequence: missense variant. On other transcripts: non-coding transcript variant (1).
Genome position (GRCh38, 1-based): chr2:215,011,442, A>T on the plus strand (T>A on the coding strand, the complement: ABCA12 is on the minus strand). VCF-style: chr2-215011442-A-T. GRCh37 (hg19) VCF-style: chr2-215876166-A-T.
Other names: c.1375T>A, p.Ser459Thr (NM_015657.4); short protein forms S777T, S459T.
Identifiers: ClinVar variation 262824 (VCV000262824.26), dbSNP rs7560008, ClinGen allele CA2091993.